The following is an entry in ClinVar:

NM_001037131.3(AGAP1):c.1730A>G (p.Asp577Gly)

Gene: AGAP1 (ArfGAP with GTPase domain, ankyrin repeat and PH domain 1; plus strand). Cytogenetic location: 2q37.2.
Variant type: single nucleotide variant.
Coding change: c.1730A>G on transcript NM_001037131.3 (MANE Select); coding-DNA position 1730, A replaced by G.
Protein change: p.Asp577Gly; replaces aspartic acid 577 with glycine.
Molecular consequence: missense variant.
Genome position (GRCh38, 1-based): chr2:236,036,645, A>G. VCF-style: chr2-236036645-A-G. GRCh37 (hg19) VCF-style: chr2-236945289-A-G.
Other names: c.1571A>G, p.Asp524Gly (NM_014914.5); short protein forms D524G, D577G.
Identifiers: ClinVar variation 3840830 (VCV003840830.2).

ClinVar aggregate classification (germline): Uncertain significance. Review status: criteria provided, multiple submitters, no conflicts (2 of 4 stars). 2 submissions from 2 submitters: Uncertain significance (2). Last evaluated 2025-05-01.

gnomAD v4.1: 34 of 1,614,218 alleles (0.0021%); highest among the groups gnomAD compares: Non-Finnish European, 0.0025%; no homozygotes.

Submissions (2):

Labcorp Genetics (formerly Invitae), Labcorp
Classification: Uncertain significance. Last evaluated: 2025-05-01. Review status: criteria provided, single submitter. Criteria: Invitae Variant Classification Sherloc (09022015). Collection method: clinical testing. Allele origin: germline.
Comment: This sequence change replaces aspartic acid, which is acidic and polar, with glycine, which is neutral and non-polar, at codon 524 of the AGAP1 protein (p.Asp524Gly). This variant is present in population databases (rs752772045, gnomAD 0.003%). This variant has not been reported in the literature in individuals affected with AGAP1-related conditions. An algorithm developed to predict the effect of missense changes on protein structure and function (PolyPhen-2) suggests that this variant is likely to be disruptive. In summary, the available evidence is currently insufficient to determine the role of this variant in disease. Therefore, it has been classified as a Variant of Uncertain Significance.

Ambry Genetics
Classification: Uncertain significance. Last evaluated: 2024-12-11. Review status: criteria provided, single submitter. Criteria: Ambry Variant Classification Scheme 2023. Collection method: clinical testing. Allele origin: germline.